The following is an entry in ClinVar:

NM_000088.4(COL1A1):c.2829+3A>C

Gene: COL1A1 (collagen type I alpha 1 chain; minus strand). Cytogenetic location: 17q21.33.
Variant type: single nucleotide variant.
Coding change: c.2829+3A>C on transcript NM_000088.4 (MANE Select); 3 bases into the intron after coding-DNA position 2829, A replaced by C.
Molecular consequence: intron variant.
Genome position (GRCh38, 1-based): chr17:50,189,374, T>G on the plus strand (A>C on the coding strand, the complement: COL1A1 is on the minus strand). VCF-style: chr17-50189374-T-G. GRCh37 (hg19) VCF-style: chr17-48266735-T-G.
Identifiers: ClinVar variation 4076573 (VCV004076573.1).

ClinVar aggregate classification (germline): Uncertain significance (1 of 4 stars; one submission).

Submission:

GeneDx
Classification: Uncertain significance. Last evaluated: 2025-02-24. Review status: criteria provided, single submitter. Criteria: GeneDx Variant Classification Process June 2021. Collection method: clinical testing. Allele origin: germline. Affected: yes.
Comment: Not observed at significant frequency in large population cohorts (gnomAD); In silico analysis supports a deleterious effect on splicing; This variant is associated with the following publications: (PMID: 25525159, 15241796)